The following is an entry in ClinVar:

ClinVar aggregate classification (germline): Conflicting classifications of pathogenicity. Review status: criteria provided, conflicting classifications (1 of 4 stars). 3 submissions from 3 submitters: Uncertain significance (1); Likely benign (2). Last evaluated 2022-08-23.

Conditions:
Dyskeratosis congenita, autosomal dominant 2. Identifiers: MedGen C3151443, MONDO:0013521, OMIM 613989.
Idiopathic Pulmonary Fibrosis. Also called: Idiopathic fibrosing alveolitis, chronic form; idiopathic fibrosing alveolitis. Identifiers: Orphanet 2032, MedGen C1800706, MeSH D054990, MONDO:0800504.
Dyskeratosis congenita. Identifiers: Orphanet 1775, MedGen C0265965, MONDO:0015780.

Allele frequency attached by ClinVar (database versions not stated): TOPMed below 0.00001; gnomAD 0.00001.
gnomAD v4.1: 2 of 1,548,246 alleles (0.00013%); highest among the groups gnomAD compares: African/African-American, 0.0027%; no homozygotes.

Submissions (3):

Labcorp Genetics (formerly Invitae), Labcorp
Classification: Likely benign for Dyskeratosis congenita, autosomal dominant 2; Idiopathic Pulmonary Fibrosis. Last evaluated: 2022-08-23. Review status: criteria provided, single submitter. Criteria: Invitae Variant Classification Sherloc (09022015). Collection method: clinical testing. Allele origin: germline.

Ambry Genetics
Classification: Likely benign for Dyskeratosis congenita. Last evaluated: 2022-03-07. Review status: criteria provided, single submitter. Criteria: Ambry Variant Classification Scheme 2023. Collection method: clinical testing. Allele origin: germline.

Sema4
Classification: Uncertain significance for Dyskeratosis congenita. Last evaluated: 2022-01-04. Review status: criteria provided, single submitter. Criteria: Sema4 Curation Guidelines. Collection method: curation. Allele origin: germline.
Comment: The TERT c.1043G>A (p.S348N) variant has not been reported in the literature to our knowledge. It was observed in 1/8704 chromosomes of the African/African American subpopulation in the large and broad cohorts of the Genome Aggregation Database (PMID: 32461654). The variant has been reported in ClinVar (Variation ID 956943). Functional studies have not been performed, and in silico predictions of the variant's effect on protein function are inconclusive. The evidence is insufficient to meet ACMG/AMP criteria for classifying the variant as benign or pathogenic. Thus, the clinical significance of this variant is currently uncertain.

NM_198253.3(TERT):c.1043G>A (p.Ser348Asn)

Gene: TERT (telomerase reverse transcriptase; minus strand). Cytogenetic location: 5p15.33.
Variant type: single nucleotide variant.
Coding change: c.1043G>A on transcript NM_198253.3 (MANE Select); coding-DNA position 1043, G replaced by A.
Protein change: p.Ser348Asn; replaces serine 348 with asparagine.
Molecular consequence: missense variant. On other transcripts: non-coding transcript variant (2).
Genome position (GRCh38, 1-based): chr5:1,293,843, C>T on the plus strand (G>A on the coding strand, the complement: TERT is on the minus strand). VCF-style: chr5-1293843-C-T. GRCh37 (hg19) VCF-style: chr5-1293958-C-T.
Other names: c.1043G>A, p.Ser348Asn (NM_001193376.3); short protein forms S348N.
Identifiers: ClinVar variation 956943 (VCV000956943.13), dbSNP rs1279397908, ClinGen allele CA359055821.
Genomic context (GRCh38, chr5:1,293,843, plus strand): 5'-GAACCCAGAAAGATGGTCTCCACGAGCCTCCGAGCGCCAGTCAGGCTGGGCCTCAGAGAG[C>T]TGAGTAGGAAGGAGGGCCGCAGCTGCTCCTTGTCGCCTGAGGAGTAGAGGAAGTGCTTGG-3'
Protein context (NP_937983.2, residues 338-358): KEQLRPSFLL[Ser348Asn]SLRPSLTGAR